The following is an entry in ClinVar:

NM_024529.5(CDC73):c.375_376delinsT (p.Lys125fs)

Gene: CDC73 (cell division cycle 73; plus strand). Cytogenetic location: 1q31.2.
Variant type: Indel.
Coding change: c.375_376delinsT on transcript NM_024529.5 (MANE Select); coding-DNA positions 375 to 376, AC replaced by T.
Protein change: p.Lys125fs; shifts the reading frame from lysine 125.
Molecular consequence: frameshift variant.
Genome position (GRCh38, 1-based): chr1:193,135,541-193,135,542, AC replaced by T. VCF-style: chr1-193135541-AC-T. GRCh37 (hg19) VCF-style: chr1-193104671-AC-T.
Other names: c.375_376delACinsT (NM_024529.4); short protein forms K125fs.
Identifiers: ClinVar variation 545876 (VCV000545876.2), dbSNP rs1553278841, ClinGen allele CA658823325.
Genomic context (GRCh38, chr1:193,135,541, plus strand): 5'-ACTTTCAGAAGCCCATTCCAAAACTACACATTTATTTACTTCTCTTTCTTTTATAGTCAA[AC>T]GAGCTGCAGATGAAGTTTTAGCAGAAGCAAAGAAACCACGAATTGAGGTAAAGAAACTGT-3'

ClinVar aggregate classification (germline): Pathogenic (1 of 4 stars; one submission).

Submission:

GeneDx
Classification: Pathogenic. Last evaluated: 2018-02-14. Review status: criteria provided, single submitter. Criteria: GeneDx Variant Classification (06012015). Collection method: clinical testing. Allele origin: germline. Affected: yes.
Comment: This combined deletion and insertion is denoted CDC73 c.375_376delACinsT at the cDNA level and p.Lys125AsnfsX8 (K125NfsX8) at the protein level. The surrounding sequence is TCAA[delAC][insT]GAGC. The variant causes a frameshift, which changes a Lysine to an Asparagine at codon 125, and creates a premature stop codon at position 8 of the new reading frame. Although this variant has not, to our knowledge, been reported in the literature, it is predicted to cause loss of normal protein function through either protein truncation or nonsense-mediated mRNA decay. We consider this variant to be pathogenic.